The following is an entry in ClinVar:

NM_031935.3(HMCN1):c.5879T>C (p.Leu1960Pro)

Gene: HMCN1 (hemicentin 1; plus strand). Cytogenetic location: 1q31.1.
Variant type: single nucleotide variant.
Coding change: c.5879T>C on transcript NM_031935.3 (MANE Select); coding-DNA position 5879, T replaced by C.
Protein change: p.Leu1960Pro; replaces leucine 1960 with proline.
Molecular consequence: missense variant.
Genome position (GRCh38, 1-based): chr1:186,038,856, T>C. VCF-style: chr1-186038856-T-C. GRCh37 (hg19) VCF-style: chr1-186007988-T-C.
Other names: short protein forms L1960P.
Identifiers: ClinVar variation 1718157 (VCV001718157.5), dbSNP rs2527635055, ClinGen allele CA343898247.

ClinVar aggregate classification (germline): Uncertain significance (1 of 4 stars; one submission).

Submission:

Labcorp Genetics (formerly Invitae), Labcorp
Classification: Uncertain significance. Last evaluated: 2022-08-27. Review status: criteria provided, single submitter. Criteria: Invitae Variant Classification Sherloc (09022015). Collection method: clinical testing. Allele origin: germline.
Comment: This sequence change replaces leucine, which is neutral and non-polar, with proline, which is neutral and non-polar, at codon 1960 of the HMCN1 protein (p.Leu1960Pro). This variant is not present in population databases (gnomAD no frequency). This variant has not been reported in the literature in individuals affected with HMCN1-related conditions. Algorithms developed to predict the effect of missense changes on protein structure and function output the following: SIFT: "Tolerated"; PolyPhen-2: "Benign"; Align-GVGD: "Class C0". The proline amino acid residue is found in multiple mammalian species, which suggests that this missense change does not adversely affect protein function. In summary, the available evidence is currently insufficient to determine the role of this variant in disease. Therefore, it has been classified as a Variant of Uncertain Significance.